The following is an entry in ClinVar:

GRCh37/hg19 1p32.3-31.3(chr1:52909857-61607083)x1

Genes: ACOT11 (acyl-CoA thioesterase 11; plus strand), BSND (barttin CLCNK type accessory subunit beta; plus strand), C1orf87 (chromosome 1 open reading frame 87; minus strand), C8A (complement C8 alpha chain; plus strand), C8B (complement C8 beta chain; minus strand) and 50 more. Cytogenetic location: 1p32.3-31.3.
Variant type: copy number loss.
Change: copy number 1 (one copy instead of two) of chr1:52,909,857-61,607,083 (8.70 Mb, GRCh37 coordinates, 1-based), cytogenetic band 1p32.3-31.3.
Identifiers: ClinVar variation 4850968 (VCV004850968.1).

ClinVar aggregate classification (germline): Pathogenic (1 of 4 stars; one submission).

Conditions:
Brain malformations with or without urinary tract defects. Also called: Brain malformations and urinary tract defects. Identifiers: MedGen C4478940, MONDO:0100478, OMIM 613735.

Submission:

Laboratory of Cytogenetics, Molecular Genetics and Reproductive Biology, Farhat Hached University Hospital
Classification: Pathogenic for Brain malformations with or without urinary tract defects. Last evaluated: 2025-12-12. Review status: criteria provided, single submitter. Criteria: ACMG/ClinGen CNV Guidelines, 2019. Collection method: clinical testing. Allele origin: de novo. Inheritance: Autosomal dominant inheritance. Affected: yes.
Comment: Similar genomic alterations have been previously reported in affected individuals (PMID: 26061568). Based on phenotypic overlap and available literature evidence, the variant was classified as Pathogenic. The copy number variant was evaluated using ACMG/ClinGen CNV guidelines (PMID:31690835)

Literature cited by the submitters: PubMed 26061568.